The following is an entry in ClinVar:

ClinVar aggregate classification (germline): Conflicting classifications of pathogenicity. Review status: criteria provided, conflicting classifications (1 of 4 stars). 8 submissions from 8 submitters: Uncertain significance (5); Likely benign (2). 1 of the submissions does not count toward it. Last evaluated 2025-11-11.

Conditions:
Familial cancer of breast. Also called: BREAST CANCER, FAMILIAL; Hereditary breast cancer; hereditary breast carcinoma. Identifiers: Orphanet 227535, MedGen C0346153, MONDO:0016419, OMIM 114480. Disease mechanism: loss of function.
Hereditary cancer-predisposing syndrome. Also called: Tumor predisposition; Neoplastic Syndromes, Hereditary; Hereditary Cancer Syndrome; Hereditary neoplastic syndrome. Identifiers: Orphanet 140162, MedGen C0027672, MeSH D009386, MONDO:0015356.
Ataxia-telangiectasia syndrome (AT). Also called: Cerebello-oculocutaneous telangiectasia; Immunodeficiency with ataxia telangiectasia; Ataxia-telangiectasia, complementation group D; AT, COMPLEMENTATION GROUP C; Ataxia-telangiectasia; Ataxia telangiectasia (A-T). Identifiers: Orphanet 100, MedGen C0004135, MONDO:0008840, OMIM 208900.
Breast and/or ovarian cancer. Identifiers: MedGen CN221562.

Allele frequency attached by ClinVar (database versions not stated): gnomAD exomes below 0.00001.
gnomAD v4.1: 8 of 1,614,094 alleles (0.0005%); highest among the groups gnomAD compares: Non-Finnish European, 0.00059%; no homozygotes.

Submissions (8):

Labcorp Genetics (formerly Invitae), Labcorp
Classification: Uncertain significance for Ataxia-telangiectasia syndrome. Last evaluated: 2025-11-11. Review status: criteria provided, single submitter. Criteria: Invitae Variant Classification Sherloc (09022015). Collection method: clinical testing. Allele origin: germline.
Comment: This sequence change replaces threonine, which is neutral and polar, with alanine, which is neutral and non-polar, at codon 452 of the ATM protein (p.Thr452Ala). This variant is not present in population databases (gnomAD no frequency). This variant has not been reported in the literature in individuals affected with ATM-related conditions. ClinVar contains an entry for this variant (Variation ID: 632656). Invitae Evidence Modeling of protein sequence and biophysical properties (such as structural, functional, and spatial information, amino acid conservation, physicochemical variation, residue mobility, and thermodynamic stability) indicates that this missense variant is not expected to disrupt ATM protein function with a negative predictive value of 95%. In summary, the available evidence is currently insufficient to determine the role of this variant in disease. Therefore, it has been classified as a Variant of Uncertain Significance.

Color Diagnostics, LLC DBA Color Health
Classification: Likely benign for Hereditary cancer-predisposing syndrome. Last evaluated: 2025-06-03. Review status: criteria provided, single submitter. Criteria: ACMG Guidelines, 2015. Collection method: clinical testing. Allele origin: germline.

Ambry Genetics
Classification: Likely benign for Hereditary cancer-predisposing syndrome. Last evaluated: 2024-11-18. Review status: criteria provided, single submitter. Criteria: Ambry Variant Classification Scheme 2023. Collection method: clinical testing. Allele origin: germline.

Blueprint Genetics
Classification: Uncertain significance. Last evaluated: 2024-05-14. Review status: criteria provided, single submitter. Criteria: ACMG Guidelines, 2015. Collection method: clinical testing. Allele origin: germline.

Baylor Genetics
Classification: Uncertain significance for Familial cancer of breast. Last evaluated: 2023-10-28. Review status: criteria provided, single submitter. Criteria: ACMG Guidelines, 2015. Collection method: clinical testing. Allele origin: unknown.

CHEO Genetics Diagnostic Laboratory, Children's Hospital of Eastern Ontario
Classification: Uncertain significance for Breast and/or ovarian cancer. Last evaluated: 2020-04-02. Review status: criteria provided, single submitter. Criteria: ACMG Guidelines, 2015. Collection method: clinical testing. Allele origin: germline.

Women's Health and Genetics/Laboratory Corporation of America, LabCorp
Classification: Uncertain significance. Last evaluated: 2018-11-05. Review status: criteria provided, single submitter. Criteria: LabCorp Variant Classification Summary - May 2015. Collection method: clinical testing. Allele origin: germline.
Comment: Variant summary: ATM c.1354A>G (p.Thr452Ala) results in a non-conservative amino acid change in the encoded protein sequence. Four of five in-silico tools predict a benign effect of the variant on protein function. The variant was absent in 246146 control chromosomes (gnomAD). The available data on variant occurrences in the general population are insufficient to allow any conclusion about variant significance. The variant, c.1354A>G, has been reported in the literature in individuals affected with breast cancer (Decker_2017). However, this report does not provide unequivocal conclusions about an association of the variant with Ataxia-Telangiectasia. To our knowledge, no experimental evidence demonstrating an impact on protein function has been reported. No clinical diagnostic laboratories have submitted clinical-significance assessments for this variant to ClinVar after 2014. Based on the evidence outlined above, the variant was classified as uncertain significance.

Natera, Inc.
Classification: Uncertain significance for Ataxia-telangiectasia. Last evaluated: 2021-04-15. Review status: no assertion criteria provided. Collection method: clinical testing. Allele origin: germline. Not counted in ClinVar's aggregate classification.

Literature cited by the submitters: PubMed 28779002 (cited by Ambry Genetics and Women's Health and Genetics/Laboratory Corporation of America, LabCorp).

NM_000051.4(ATM):c.1354A>G (p.Thr452Ala)

Gene: ATM (ATM serine/threonine kinase; plus strand). Cytogenetic location: 11q22.3.
Variant type: single nucleotide variant.
Coding change: c.1354A>G on transcript NM_000051.4 (MANE Select); coding-DNA position 1354, A replaced by G.
Protein change: p.Thr452Ala; replaces threonine 452 with alanine.
Molecular consequence: missense variant.
Genome position (GRCh38, 1-based): chr11:108,250,819, A>G. VCF-style: chr11-108250819-A-G. GRCh37 (hg19) VCF-style: chr11-108121546-A-G.
Other names: c.1354A>G, p.Thr452Ala (NM_001351834.2); short protein forms T452A.
Identifiers: ClinVar variation 632656 (VCV000632656.20), dbSNP rs1324524747, ClinGen allele CA382533782.